The following is an entry in ClinVar:

ClinVar aggregate classification (germline): Pathogenic. Review status: criteria provided, single submitter (1 of 4 stars). 2 submissions from 2 submitters: Pathogenic (1). 1 of the submissions does not count toward it. Last evaluated 2023-12-27.

Conditions:
Immunodeficiency 37 (IMD37). Identifiers: MedGen C4015195, MONDO:0014491, OMIM 616098.
MALE GERM CELL TUMOR, SOMATIC. Identifiers: MedGen C3276200.

Allele frequency attached by ClinVar (database versions not stated): gnomAD exomes below 0.00001.
gnomAD v4.1: 1 of 1,613,856 alleles (0.000062%); highest among the groups gnomAD compares: South Asian, 0.0011%; no homozygotes.

Submissions (2):

Labcorp Genetics (formerly Invitae), Labcorp
Classification: Pathogenic for Immunodeficiency 37. Last evaluated: 2023-12-27. Review status: criteria provided, single submitter. Criteria: Invitae Variant Classification Sherloc (09022015). Collection method: clinical testing. Allele origin: germline.
Comment: This sequence change creates a premature translational stop signal (p.Arg58*) in the BCL10 gene. It is expected to result in an absent or disrupted protein product. Loss-of-function variants in BCL10 are known to be pathogenic (PMID: 25365219, 32008135). This variant is not present in population databases (gnomAD no frequency). This variant has not been reported in the literature in individuals affected with BCL10-related conditions. ClinVar contains an entry for this variant (Variation ID: 6266). For these reasons, this variant has been classified as Pathogenic.

OMIM
Classification: Pathogenic for MALE GERM CELL TUMOR, SOMATIC. Last evaluated: 1999-07-01. Review status: no assertion criteria provided. Collection method: literature only. Allele origin: somatic. Not counted in ClinVar's aggregate classification.

Literature cited by the submitters: PubMed 25365219 (cited by Labcorp Genetics (formerly Invitae), Labcorp); PubMed 32008135 (cited by Labcorp Genetics (formerly Invitae), Labcorp); PubMed 9989495 (cited by OMIM); PubMed 10380920 (cited by OMIM); PubMed 10408400 (cited by OMIM).

NM_003921.5(BCL10):c.172C>T (p.Arg58Ter)

Gene: BCL10 (BCL10 immune signaling adaptor; minus strand). Cytogenetic location: 1p22.3.
Variant type: single nucleotide variant.
Coding change: c.172C>T on transcript NM_003921.5 (MANE Select); coding-DNA position 172, C replaced by T.
Protein change: p.Arg58Ter; replaces arginine 58 with a stop codon.
Molecular consequence: nonsense.
Genome position (GRCh38, 1-based): chr1:85,270,792, G>A on the plus strand (C>T on the coding strand, the complement: BCL10 is on the minus strand). VCF-style: chr1-85270792-G-A. GRCh37 (hg19) VCF-style: chr1-85736475-G-A.
Other names: c.172C>T, p.Arg58Ter (LRG_1210t1, NM_001320715.2); short protein forms R58*.
Identifiers: ClinVar variation 6266 (VCV000006266.4), dbSNP rs121918314, ClinGen allele CA118079.